The following is an entry in ClinVar:

ClinVar aggregate classification (germline): Uncertain significance (1 of 4 stars; one submission).

Conditions:
Hereditary cancer-predisposing syndrome. Also called: Neoplastic Syndromes, Hereditary; Tumor predisposition; Hereditary Cancer Syndrome; Hereditary neoplastic syndrome. Identifiers: Orphanet 140162, MedGen C0027672, MeSH D009386, MONDO:0015356.

Submission:

Ambry Genetics
Classification: Uncertain significance for Hereditary cancer-predisposing syndrome. Last evaluated: 2020-09-09. Review status: criteria provided, single submitter. Criteria: Ambry Variant Classification Scheme 2023. Collection method: clinical testing. Allele origin: germline.
Comment: The p.R383K variant (also known as c.1148G>A), located in coding exon 4 of the MSH6 gene, results from a G to A substitution at nucleotide position 1148. The arginine at codon 383 is replaced by lysine, an amino acid with highly similar properties. This amino acid position is highly conserved in available vertebrate species. In addition, the in silico prediction for this alteration is inconclusive. Since supporting evidence is limited at this time, the clinical significance of this alteration remains unclear.

NM_000179.3(MSH6):c.1148G>A (p.Arg383Lys)

Gene: MSH6 (mutS homolog 6; plus strand). Cytogenetic location: 2p16.3.
Variant type: single nucleotide variant.
Coding change: c.1148G>A on transcript NM_000179.3 (MANE Select); coding-DNA position 1148, G replaced by A.
Protein change: p.Arg383Lys; replaces arginine 383 with lysine.
Molecular consequence: missense variant.
Genome position (GRCh38, 1-based): chr2:47,799,131, G>A. VCF-style: chr2-47799131-G-A. GRCh37 (hg19) VCF-style: chr2-48026270-G-A.
Other names: c.623G>A, p.Arg208Lys (NM_001406799.1, NM_001406806.1, NM_001406807.1); c.1070G>A, p.Arg357Lys (NM_001406804.1); c.851G>A, p.Arg284Lys (NM_001406801.1, NM_001406797.1, NM_001406805.1 and 10 more transcripts); c.1244G>A, p.Arg415Lys (NM_001406802.1, NM_001406795.1); c.1148G>A, p.Arg383Lys (NM_001406800.1, NM_001406803.1, NM_001406796.1 and 4 more transcripts); c.758G>A, p.Arg253Lys (NM_001281492.2); c.242G>A, p.Arg81Lys (NM_001281493.2, NM_001281494.2, NM_001406811.1 and 6 more transcripts); c.1154G>A, p.Arg385Lys (NM_001406813.1); and 1 more; short protein forms R253K, R284K, R208K, R81K, R327K, R357K, R385K, R415K.
Identifiers: ClinVar variation 1733078 (VCV001733078.2), dbSNP rs2104323121, ClinGen allele CA346742190.